The following is an entry in ClinVar:

NM_001346249.2(RALGAPA1):c.4163G>T (p.Arg1388Leu)

Gene: RALGAPA1 (Ral GTPase activating protein catalytic subunit alpha 1; minus strand). Cytogenetic location: 14q13.2.
Variant type: single nucleotide variant.
Coding change: c.4163G>T on transcript NM_001346249.2 (MANE Select); coding-DNA position 4163, G replaced by T.
Protein change: p.Arg1388Leu; replaces arginine 1388 with leucine.
Molecular consequence: missense variant.
Genome position (GRCh38, 1-based): chr14:35,685,060, C>A on the plus strand (G>T on the coding strand, the complement: RALGAPA1 is on the minus strand). VCF-style: chr14-35685060-C-A. GRCh37 (hg19) VCF-style: chr14-36154266-C-A.
Other names: c.2684G>T, p.Arg895Leu (NM_001283043.3); c.2786G>T, p.Arg929Leu (NM_001283044.3, NM_001346245.2, NM_001346247.2); c.4022G>T, p.Arg1341Leu (NM_001330075.3, NM_001346248.2); c.2645G>T, p.Arg882Leu (NM_001346243.2, NM_001346246.2, NM_014990.3 and 1 more transcripts); c.2645G>T (NM_014990.1); short protein forms R929L, R1341L, R1388L, R882L, R895L.
Identifiers: ClinVar variation 2408459 (VCV002408459.3), dbSNP rs778519470, ClinGen allele CA7156786.

ClinVar aggregate classification (germline): Uncertain significance. Review status: criteria provided, multiple submitters, no conflicts (2 of 4 stars). 2 submissions from 2 submitters: Uncertain significance (2). Last evaluated 2022-09-12.

Conditions:
Inborn genetic diseases. Identifiers: MedGen C0950123, MeSH D030342.

gnomAD v4.1: 21 of 1,599,910 alleles (0.0013%); highest among the groups gnomAD compares: Admixed American, 0.033%; no homozygotes.

Submissions (2):

GeneDx
Classification: Uncertain significance. Last evaluated: 2022-09-12. Review status: criteria provided, single submitter. Criteria: GeneDx Variant Classification Process June 2021. Collection method: clinical testing. Allele origin: germline. Affected: yes.
Comment: In silico analysis supports that this missense variant does not alter protein structure/function; Has not been previously published as pathogenic or benign to our knowledge

Ambry Genetics
Classification: Uncertain significance for Inborn genetic diseases. Last evaluated: 2021-01-12. Review status: criteria provided, single submitter. Criteria: Ambry Variant Classification Scheme 2023. Collection method: clinical testing. Allele origin: germline.
Comment: The c.2645G>T (p.R882L) alteration is located in exon 19 (coding exon 19) of the RALGAPA1 gene. This alteration results from a G to T substitution at nucleotide position 2645, causing the arginine (R) at amino acid position 882 to be replaced by a leucine (L). The p.R882L alteration is predicted to be deleterious by in silico analysis. Based on insufficient or conflicting evidence, the clinical significance of this alteration remains unclear.